The following is an entry in ClinVar:

NC_000006.11:g.(?_123687260)_(123687347_?)del

Gene: TRDN (triadin; minus strand). Cytogenetic location: 6q22.31.
Variant type: Deletion.
Identifiers: ClinVar variation 2425494 (VCV002425494.3).

ClinVar aggregate classification (germline): Uncertain significance (1 of 4 stars; one submission).

Conditions:
Catecholaminergic polymorphic ventricular tachycardia 1. Also called: VENTRICULAR TACHYCARDIA, CATECHOLAMINERGIC POLYMORPHIC, 1, WITH OR WITHOUT ATRIAL DYSFUNCTION AND/OR DILATED CARDIOMYOPATHY; RYR2-Related Catecholaminergic Polymorphic Ventricular Tachycardia; VENTRICULAR TACHYCARDIA, STRESS-INDUCED POLYMORPHIC 1. Identifiers: Orphanet 3286, MedGen C1631597, MONDO:0011484, OMIM 604772.

Submission:

Labcorp Genetics (formerly Invitae), Labcorp
Classification: Uncertain significance for Catecholaminergic polymorphic ventricular tachycardia 1. Last evaluated: 2022-08-23. Review status: criteria provided, single submitter. Criteria: Invitae Variant Classification Sherloc (09022015). Collection method: clinical testing. Allele origin: germline.
Comment: This variant is a gross deletion of the genomic region encompassing exon(s) 20 of the TRDN gene. This variant would be expected to be in-frame, preserving the integrity of the reading frame. This variant has not been reported in the literature in individuals affected with TRDN-related conditions. Experimental studies and prediction algorithms are not available or were not evaluated, and the functional significance of this variant is currently unknown. In summary, the available evidence is currently insufficient to determine the role of this variant in disease. Therefore, it has been classified as a Variant of Uncertain Significance.